The following is an entry in ClinVar:

ClinVar aggregate classification (germline): Uncertain significance (1 of 4 stars; one submission).

Conditions:
Early-infantile DEE. Also called: Early infantile epileptic encephalopathy; Ohtahara syndrome; Early infantile epileptic encephalopathy with suppression bursts. Identifiers: Orphanet 1934, MedGen C0393706, MONDO:0800491.

Allele frequency attached by ClinVar (database versions not stated): gnomAD exomes 0.00001.
gnomAD v4.1: 8 of 1,614,028 alleles (0.0005%); highest among the groups gnomAD compares: Non-Finnish European, 0.00068%; no homozygotes.

Submission:

Labcorp Genetics (formerly Invitae), Labcorp
Classification: Uncertain significance for Early-infantile DEE. Last evaluated: 2025-07-27. Review status: criteria provided, single submitter. Criteria: Invitae Variant Classification Sherloc (09022015). Collection method: clinical testing. Allele origin: germline.
Comment: This sequence change replaces serine, which is neutral and polar, with phenylalanine, which is neutral and non-polar, at codon 832 of the ARHGEF15 protein (p.Ser832Phe). This variant is present in population databases (no rsID available, gnomAD 0.0009%). This variant has not been reported in the literature in individuals affected with ARHGEF15-related conditions. ClinVar contains an entry for this variant (Variation ID: 1506167). An algorithm developed to predict the effect of missense changes on protein structure and function (PolyPhen-2) suggests that this variant is likely to be tolerated. In summary, the available evidence is currently insufficient to determine the role of this variant in disease. Therefore, it has been classified as a Variant of Uncertain Significance.

NM_173728.4(ARHGEF15):c.2495C>T (p.Ser832Phe)

Gene: ARHGEF15 (Rho guanine nucleotide exchange factor 15; plus strand). Cytogenetic location: 17p13.1.
Variant type: single nucleotide variant.
Coding change: c.2495C>T on transcript NM_173728.4 (MANE Select); coding-DNA position 2495, C replaced by T.
Protein change: p.Ser832Phe; replaces serine 832 with phenylalanine.
Molecular consequence: missense variant.
Genome position (GRCh38, 1-based): chr17:8,320,962, C>T. VCF-style: chr17-8320962-C-T. GRCh37 (hg19) VCF-style: chr17-8224280-C-T.
Other names: c.2495C>T, p.Ser832Phe (NM_025014.2); short protein forms S832F.
Identifiers: ClinVar variation 1506167 (VCV001506167.7), dbSNP rs1331599627, ClinGen allele CA398026141.
Genomic context (GRCh38, chr17:8,320,962, plus strand): 5'-AACACGAAAGGAGGAGGCACCTTCGCCAGAACCAGAGGCTTCTCGAGGCTGTTGGATCTT[C>T]TTCAGGCACCCCCAATGCCCCCCCACCCTAATGCAGGCTGAGGAGGGGGCACATGTTGGG-3'
Protein context (NP_776089.2, residues 822-841): NQRLLEAVGS[Ser832Phe]SGTPNAPPP